The following is an entry in ClinVar:

NM_001042492.3(NF1):c.2158C>T (p.Arg720Trp)

Gene: NF1 (neurofibromin 1; plus strand). Cytogenetic location: 17q11.2.
Variant type: single nucleotide variant.
Coding change: c.2158C>T on transcript NM_001042492.3 (MANE Select); coding-DNA position 2158, C replaced by T.
Protein change: p.Arg720Trp; replaces arginine 720 with tryptophan.
Molecular consequence: missense variant.
Genome position (GRCh38, 1-based): chr17:31,226,591, C>T. VCF-style: chr17-31226591-C-T. GRCh37 (hg19) VCF-style: chr17-29553609-C-T.
Other names: c.2158C>T, p.Arg720Trp (NM_000267.4); short protein forms R720W.
Identifiers: ClinVar variation 232635 (VCV000232635.18), dbSNP rs759679443, ClinGen allele CA8485918.

ClinVar aggregate classification (germline): Conflicting classifications of pathogenicity. Review status: criteria provided, conflicting classifications (1 of 4 stars). 7 submissions from 6 submitters: Uncertain significance (5); Likely benign (2). Last evaluated 2025-12-02.

Conditions:
Cardiovascular phenotype. Identifiers: MedGen CN230736.
Hereditary cancer-predisposing syndrome. Also called: Hereditary Cancer Syndrome; Neoplastic Syndromes, Hereditary; Tumor predisposition; Hereditary neoplastic syndrome. Identifiers: Orphanet 140162, MedGen C0027672, MeSH D009386, MONDO:0015356.
Café-au-lait macules with pulmonary stenosis (WTSN). Also called: PULMONIC STENOSIS WITH CAFE-AU-LAIT SPOTS. Identifiers: MedGen C0553586, MONDO:0008672, OMIM 193520.
Juvenile myelomonocytic leukemia (JMML). Also called: LEUKEMIA, JUVENILE MYELOMONOCYTIC, SOMATIC. Identifiers: Orphanet 86834, MedGen C0349639, MONDO:0011908, OMIM 607785, HP:0012209.
Neurofibromatosis-Noonan syndrome (NFNS). Also called: NEUROFIBROMATOSIS WITH NOONAN PHENOTYPE. Identifiers: Orphanet 638, MedGen C2931482, MONDO:0011035, OMIM 601321. Disease mechanism: loss of function.
Neurofibromatosis, familial spinal (FSNF). Identifiers: Orphanet 636, MedGen C1834235, MONDO:0008078, OMIM 162210. Disease mechanism: loss of function.
Neurofibromatosis, type 1 (NF1). Also called: Neurofibromatosis, type I; VON RECKLINGHAUSEN DISEASE; NEUROFIBROMATOSIS, TYPE I, SOMATIC; Peripheral type neurofibromatosis. Identifiers: Orphanet 636, MedGen C0027831, MONDO:0018975, OMIM 162200. Disease mechanism: loss of function.

Allele frequency attached by ClinVar (database versions not stated): gnomAD below 0.00001 and 0.00001; ExAC 0.00002; gnomAD exomes 0.00002 and 0.00001; TOPMed below 0.00001.
gnomAD v4.1: 20 of 1,613,718 alleles (0.0012%); highest among the groups gnomAD compares: South Asian, 0.019%; no homozygotes.

Submissions (7):

Labcorp Genetics (formerly Invitae), Labcorp
Classification: Likely benign for Neurofibromatosis, type 1. Last evaluated: 2025-12-02. Review status: criteria provided, single submitter. Criteria: Invitae Variant Classification Sherloc (09022015). Collection method: clinical testing. Allele origin: germline.

Quest Diagnostics Nichols Institute San Juan Capistrano
Classification: Uncertain significance. Last evaluated: 2025-10-24. Review status: criteria provided, single submitter. Criteria: Quest Diagnostics criteria. Collection method: clinical testing. Allele origin: unknown.

Ambry Genetics
Classification: Likely benign for Cardiovascular phenotype; Hereditary cancer-predisposing syndrome. Last evaluated: 2022-03-22. Review status: criteria provided, single submitter. Criteria: Ambry Variant Classification Scheme 2023. Collection method: clinical testing. Allele origin: germline.

Genome-Nilou Lab
Classification: Uncertain significance for Neurofibromatosis, type 1. Last evaluated: 2022-03-15. Review status: criteria provided, single submitter. Criteria: ACMG Guidelines, 2015. Collection method: clinical testing. Allele origin: germline. Affected: no.

Fulgent Genetics
Classification: Uncertain significance for Neurofibromatosis, type 1; Neurofibromatosis, familial spinal; Café-au-lait macules with pulmonary stenosis; Neurofibromatosis-Noonan syndrome; Juvenile myelomonocytic leukemia. Last evaluated: 2021-11-11. Review status: criteria provided, single submitter. Criteria: ACMG Guidelines, 2015. Collection method: clinical testing. Allele origin: unknown.

GeneDx
Classification: Uncertain significance. Last evaluated: 2019-05-07. Review status: criteria provided, single submitter. Criteria: GeneDx Variant Classification Process June 2021. Collection method: clinical testing. Allele origin: germline. Affected: yes.
Comment: In silico analysis, which includes protein predictors and evolutionary conservation, supports a deleterious effect; This variant is associated with the following publications: (PMID: 10336779)

Ambry Genetics
Classification: Uncertain significance for Hereditary cancer-predisposing syndrome. Last evaluated: 2016-02-26. Review status: criteria provided, single submitter. Criteria: Ambry Autosomal Dominant and X-Linked criteria (10/2015). Collection method: clinical testing. Allele origin: germline. Observed: 1 variant allele.
Comment: The p.R720W variant (also known as c.2158C>T), located in coding exon 18 of the NF1 gene, results from a C to T substitution at nucleotide position 2158. The arginine at codon 720 is replaced by tryptophan, an amino acid with dissimilar properties. This variant was not reported in population based cohorts in the following databases: Database of Single Nucleotide Polymorphisms (dbSNP), NHLBI Exome Sequencing Project (ESP), and 1000 Genomes Project. In the ESP, this variant was not observed in 6503 samples (13006 alleles) with coverage at this position.To date, this alteration has been detected with an allele frequency of approximately 0.004% (greater than 110000 alleles tested) in our clinical cohort.This amino acid position is highly conserved in available vertebrate species. In addition, the in silico prediction for this alteration is inconclusive.Since supporting evidence is limited at this time, the clinical significance of p.R720W remains unclear.